The following is an entry in ClinVar:

ClinVar aggregate classification (germline): Likely benign. Review status: criteria provided, multiple submitters, no conflicts (2 of 4 stars). 2 submissions from 2 submitters: Likely benign (2). Last evaluated 2025-11-17.

Conditions:
Pheochromocytoma/paraganglioma syndrome 4. Also called: CAROTID BODY TUMORS AND MULTIPLE EXTRAADRENAL PHEOCHROMOCYTOMAS; PARAGANGLIOMA, FAMILIAL MALIGNANT; PARAGANGLIOMAS, HEREDITARY EXTRAADRENAL; PHEOCHROMOCYTOMA, FAMILIAL EXTRAADRENAL; Paragangliomas 4; SDHB-Related Hereditary Paraganglioma-Pheochromocytoma Syndrome (Paragangliomas 4). Identifiers: Orphanet 29072, MedGen C1861848, MONDO:0007273, OMIM 115310.
Pheochromocytoma. Also called: MAX-Related Hereditary Paraganglioma-Pheochromocytoma Syndrome. Identifiers: Orphanet 29072, MedGen C0031511, MONDO:0008233, OMIM 171300, HP:0002666.
Gastrointestinal stromal tumor. Also called: Gastrointestinal stroma tumor; Gastrointestinal stromal tumor, somatic. Identifiers: Orphanet 44890, MedGen C0238198, MeSH D046152, MONDO:0011719, OMIM 606764, HP:0100723.

Allele frequency attached by ClinVar (database versions not stated): gnomAD exomes below 0.00001.
gnomAD v4.1: 1 of 1,613,666 alleles (0.000062%); highest among the groups gnomAD compares: East Asian, 0.0022%; no homozygotes.

Submissions (2):

Labcorp Genetics (formerly Invitae), Labcorp
Classification: Likely benign for Gastrointestinal stromal tumor; Pheochromocytoma/paraganglioma syndrome 4; Pheochromocytoma. Last evaluated: 2025-11-17. Review status: criteria provided, single submitter. Criteria: Invitae Variant Classification Sherloc (09022015). Collection method: clinical testing. Allele origin: germline.

Myriad Genetics, Inc.
Classification: Likely benign for Pheochromocytoma/paraganglioma syndrome 4. Last evaluated: 2025-03-13. Review status: criteria provided, single submitter. Criteria: Myriad Autosomal Dominant, Autosomal Recessive and X-Linked Classification Criteria (2023). Collection method: clinical testing. Allele origin: unknown.
Comment: This variant is considered likely benign. This variant is intronic and is not expected to impact mRNA splicing.

NM_003000.3(SDHB):c.765+9G>T

Gene: SDHB (succinate dehydrogenase complex iron sulfur subunit B; minus strand). Cytogenetic location: 1p36.13.
Variant type: single nucleotide variant.
Coding change: c.765+9G>T on transcript NM_003000.3 (MANE Select); 9 bases into the intron after coding-DNA position 765, G replaced by T.
Molecular consequence: intron variant.
Genome position (GRCh38, 1-based): chr1:17,022,599, C>A on the plus strand (G>T on the coding strand, the complement: SDHB is on the minus strand). VCF-style: chr1-17022599-C-A. GRCh37 (hg19) VCF-style: chr1-17349094-C-A.
Identifiers: ClinVar variation 2041921 (VCV002041921.5), dbSNP rs201832634, ClinGen allele CA18662107.
Genomic context (GRCh38, chr1:17,022,599, plus strand): 5'-TTTGTGAGCACATGCTACTTCTGGCGTGTCAGCTCTGAGGCAGAGCTGAGGGTCACCAGC[C>A]CCACGTACCTTAGGACAGGTCCTTGTGCAGTTCATGATGGTGTGGCAGCGGTATAGAGAG-3'